The following is an entry in ClinVar:

ClinVar aggregate classification (germline): Uncertain significance (1 of 4 stars; one submission).

Conditions:
Congenital myotonia, autosomal dominant form (THD). Also called: THOMSEN DISEASE; Myotonia congenita autosomal dominant. Identifiers: Orphanet 614, MedGen C2936781, MONDO:0008055, OMIM 160800.
Congenital myotonia, autosomal recessive form. Also called: Becker Generalized Myotonia; myotonia congenita, autosomal recessive; BECKER DISEASE. Identifiers: Orphanet 614, MedGen C0751360, MONDO:0009715, OMIM 255700.

Submission:

Labcorp Genetics (formerly Invitae), Labcorp
Classification: Uncertain significance for Congenital myotonia, autosomal recessive form; Congenital myotonia, autosomal dominant form. Last evaluated: 2019-09-04. Review status: criteria provided, single submitter. Criteria: Invitae Variant Classification Sherloc (09022015). Collection method: clinical testing. Allele origin: germline.
Comment: This sequence change replaces glycine with glutamic acid at codon 409 of the CLCN1 protein (p.Gly409Glu). The glycine residue is highly conserved and there is a moderate physicochemical difference between glycine and glutamic acid. This variant is not present in population databases (ExAC no frequency). This variant has not been reported in the literature in individuals with CLCN1-related conditions. Algorithms developed to predict the effect of missense changes on protein structure and function are either unavailable or do not agree on the potential impact of this missense change (SIFT: "Deleterious"; PolyPhen-2: "Probably Damaging"; Align-GVGD: "Class C0"). In summary, the available evidence is currently insufficient to determine the role of this variant in disease. Therefore, it has been classified as a Variant of Uncertain Significance.

NM_000083.3(CLCN1):c.1226G>A (p.Gly409Glu)

Gene: CLCN1 (chloride voltage-gated channel 1; plus strand). Cytogenetic location: 7q34.
Variant type: single nucleotide variant.
Coding change: c.1226G>A on transcript NM_000083.3 (MANE Select); coding-DNA position 1226, G replaced by A.
Protein change: p.Gly409Glu; replaces glycine 409 with glutamic acid.
Molecular consequence: missense variant. On other transcripts: non-coding transcript variant (1).
Genome position (GRCh38, 1-based): chr7:143,332,478, G>A. VCF-style: chr7-143332478-G-A. GRCh37 (hg19) VCF-style: chr7-143029571-G-A.
Other names: short protein forms G409E.
Identifiers: ClinVar variation 934321 (VCV000934321.1), dbSNP rs1802752292, ClinGen allele CA369643457.